The following is an entry in ClinVar:

NM_007294.4(BRCA1):c.4289dup (p.Ser1431fs)

Gene: BRCA1 (BRCA1 DNA repair associated; minus strand). Cytogenetic location: 17q21.31.
Variant type: Duplication.
Coding change: c.4289dup on transcript NM_007294.4 (MANE Select); coding-DNA position 4289, one base duplicated (C; older notation c.4289dupC).
Protein change: p.Ser1431fs; shifts the reading frame from serine 1431.
Molecular consequence: frameshift variant. On other transcripts: non-coding transcript variant (1).
Genome position (GRCh38, 1-based): chr17:43,082,472, G duplicated on the plus strand (C on the coding strand, the reverse complement: BRCA1 is on the minus strand); the first of 3 consecutive G bases (chr17:43,082,472-43,082,474); duplicating any one gives the same sequence. VCF-style (leftmost placement, unchanged base first): chr17-43082471-A-AG. GRCh37 (hg19) VCF-style: chr17-41234488-A-AG.
Other names: 4408insC; c.4289dupC (NM_007294.3); c.765dup, p.Ser257Phefs (NM_001408493.1, NM_001408513.1, NM_001408489.1 and 3 more transcripts); c.738dup, p.Ser248Phefs (NM_001408494.1); c.735dup, p.Ser247Phefs (NM_001408495.1); c.714dup, p.Ser240Phefs (NM_001408496.1, NM_001408497.1, NM_001408498.1 and 3 more transcripts); c.645dup, p.Ser217Phefs (NM_001408502.1); c.711dup, p.Ser239Phefs (NM_001408503.1, NM_001408504.1, NM_001408505.1); and 56 more; short protein forms S1384fs, S1431fs, S328fs.
Identifiers: ClinVar variation 125701 (VCV000125701.5), dbSNP rs80357556, ClinGen allele CA002751.

ClinVar aggregate classification (germline): Pathogenic. Review status: reviewed by expert panel (3 of 4 stars). 4 submissions from 4 submitters: Pathogenic (1). 3 of the submissions do not count toward it. Last evaluated 2016-09-08.

Conditions:
Hereditary breast ovarian cancer syndrome. Also called: Hereditary breast and/or ovarian cancer syndrome; Breast and ovarian cancer; Hereditary breast and ovarian cancer syndrome; Hereditary breast and ovarian cancer; Hereditary breast and ovarian cancer syndrome (HBOC); BRCA1- and BRCA2-Associated Hereditary Breast and Ovarian Cancer. Identifiers: Orphanet 145, MedGen C0677776, MeSH D061325, MONDO:0003582. Disease mechanism: loss of function.
Breast-ovarian cancer, familial, susceptibility to, 1 (BROVCA1). Also called: BRCA1 Hereditary Breast and Ovarian Cancer; OVARIAN CANCER, SUSCEPTIBILITY TO. Identifiers: Orphanet 145, MedGen C2676676, MONDO:0011450, OMIM 604370. Disease mechanism: loss of function.

Submissions (4):

Evidence-based Network for the Interpretation of Germline Mutant Alleles (ENIGMA)
Classification: Pathogenic for Breast-ovarian cancer, familial, susceptibility to, 1. Last evaluated: 2016-09-08. Review status: reviewed by expert panel. Criteria: ENIGMA BRCA1/2 Classification Criteria (2015). Collection method: curation. Allele origin: germline.
Comment: Variant allele predicted to encode a truncated non-functional protein.

Consortium of Investigators of Modifiers of BRCA1/2 (CIMBA), c/o University of Cambridge
Classification: Pathogenic for Breast-ovarian cancer, familial, susceptibility to, 1. Last evaluated: 2015-10-02. Review status: criteria provided, single submitter. Criteria: CIMBA Mutation Classification guidelines May 2016. Collection method: clinical testing. Allele origin: germline. Not counted in ClinVar's aggregate classification.

Research Molecular Genetics Laboratory, Women's College Hospital, University of Toronto
Classification: Pathogenic for Hereditary breast ovarian cancer syndrome. Last evaluated: 2014-01-31. Review status: no assertion criteria provided. Collection method: research. Allele origin: germline. Affected: yes. Study: The Canadian Open Genetics Repository (COGR). Not counted in ClinVar's aggregate classification.

Breast Cancer Information Core (BIC) (BRCA1)
Classification: Pathogenic for Breast-ovarian cancer, familial 1. Last evaluated: 2002-05-29. Review status: no assertion criteria provided. Collection method: clinical testing. Allele origin: germline. Affected: yes. Observed: 1 variant allele. Not counted in ClinVar's aggregate classification.